The following is an entry in ClinVar:

NM_152490.5(B3GALNT2):c.86C>A (p.Ala29Asp)

Gene: B3GALNT2 (beta-1,3-N-acetylgalactosaminyltransferase 2; minus strand). Cytogenetic location: 1q42.3.
Variant type: single nucleotide variant.
Coding change: c.86C>A on transcript NM_152490.5 (MANE Select); coding-DNA position 86, C replaced by A.
Protein change: p.Ala29Asp; replaces alanine 29 with aspartic acid.
Molecular consequence: missense variant.
Genome position (GRCh38, 1-based): chr1:235,504,167, G>T on the plus strand (C>A on the coding strand, the complement: B3GALNT2 is on the minus strand). VCF-style: chr1-235504167-G-T. GRCh37 (hg19) VCF-style: chr1-235667467-G-T.
Other names: c.86C>A, p.Ala29Asp (NM_001277155.3); short protein forms A29D.
Identifiers: ClinVar variation 2152878 (VCV002152878.4), dbSNP rs919541585, ClinGen allele CA39593949.

ClinVar aggregate classification (germline): Uncertain significance (1 of 4 stars; one submission).

Conditions:
Muscular dystrophy-dystroglycanopathy (congenital with brain and eye anomalies), type a, 11 (MDDGA11). Also called: Congenital muscular dystrophy-dystroglycanopathy with brain and eye anomalies, type A11; WALKER-WARBURG SYNDROME OR MUSCLE-EYE-BRAIN DISEASE, B3GALNT2-RELATED; Muscular dystrophy-dystroglycanopathy (congenital with brain and eye anomalies, type A, 11. Identifiers: Orphanet 588, Orphanet 899, MedGen C3554638, MONDO:0014071, OMIM 615181.

Allele frequency attached by ClinVar (database versions not stated): gnomAD exomes below 0.00001; gnomAD 0.00001; TOPMed 0.00002.
gnomAD v4.1: 3 of 1,296,320 alleles (0.00023%); highest among the groups gnomAD compares: Admixed American, 0.0041%; no homozygotes.

Submission:

Labcorp Genetics (formerly Invitae), Labcorp
Classification: Uncertain significance for Muscular dystrophy-dystroglycanopathy (congenital with brain and eye anomalies), type a, 11. Last evaluated: 2023-09-07. Review status: criteria provided, single submitter. Criteria: Invitae Variant Classification Sherloc (09022015). Collection method: clinical testing. Allele origin: germline.
Comment: This sequence change replaces alanine, which is neutral and non-polar, with aspartic acid, which is acidic and polar, at codon 29 of the B3GALNT2 protein (p.Ala29Asp). This variant is present in population databases (no rsID available, gnomAD 0.02%). This variant has not been reported in the literature in individuals affected with B3GALNT2-related conditions. ClinVar contains an entry for this variant (Variation ID: 2152878). An algorithm developed to predict the effect of missense changes on protein structure and function (PolyPhen-2) suggests that this variant is likely to be tolerated. In summary, the available evidence is currently insufficient to determine the role of this variant in disease. Therefore, it has been classified as a Variant of Uncertain Significance.